The following is an entry in ClinVar:

ClinVar aggregate classification (germline): Uncertain significance (1 of 4 stars; one submission).

Conditions:
Multiple congenital anomalies-hypotonia-seizures syndrome 3 (MCAHS3). Also called: GLYCOSYLPHOSPHATIDYLINOSITOL BIOSYNTHESIS DEFECT 7. Identifiers: Orphanet 369837, MedGen C3809356, MONDO:0014165, OMIM 615398.

Submission:

Labcorp Genetics (formerly Invitae), Labcorp
Classification: Uncertain significance for Multiple congenital anomalies-hypotonia-seizures syndrome 3. Last evaluated: 2022-08-23. Review status: criteria provided, single submitter. Criteria: Invitae Variant Classification Sherloc (09022015). Collection method: clinical testing. Allele origin: germline.
Comment: In summary, the available evidence is currently insufficient to determine the role of this variant in disease. Therefore, it has been classified as a Variant of Uncertain Significance. Algorithms developed to predict the effect of missense changes on protein structure and function are either unavailable or do not agree on the potential impact of this missense change (SIFT: "Tolerated"; PolyPhen-2: "Possibly Damaging"; Align-GVGD: "Class C0"). ClinVar contains an entry for this variant (Variation ID: 1016243). This variant has not been reported in the literature in individuals affected with PIGT-related conditions. This variant is not present in population databases (gnomAD no frequency). This sequence change replaces valine, which is neutral and non-polar, with methionine, which is neutral and non-polar, at codon 349 of the PIGT protein (p.Val349Met).

NM_015937.6(PIGT):c.1045G>A (p.Val349Met)

Gene: PIGT (phosphatidylinositol glycan anchor biosynthesis class T; plus strand). Cytogenetic location: 20q13.12.
Variant type: single nucleotide variant.
Coding change: c.1045G>A on transcript NM_015937.6 (MANE Select); coding-DNA position 1045, G replaced by A.
Protein change: p.Val349Met; replaces valine 349 with methionine.
Molecular consequence: missense variant. On other transcripts: non-coding transcript variant (5), intron variant (1).
Genome position (GRCh38, 1-based): chr20:45,421,394, G>A. VCF-style: chr20-45421394-G-A. GRCh37 (hg19) VCF-style: chr20-44050034-G-A.
Other names: c.877G>A, p.Val293Met (NM_001184728.3); c.739G>A, p.Val247Met (NM_001184730.3); c.1033+701G>A (NM_001184729.3); short protein forms V247M, V293M, V349M.
Identifiers: ClinVar variation 1016243 (VCV001016243.9), dbSNP rs1442239045, ClinGen allele CA409169030.